The following is an entry in ClinVar:

ClinVar aggregate classification (germline): Uncertain significance (0 of 4 stars; one submission).

Conditions:
Hypercholesterolemia. Also called: Primary hypercholesterolemia; Hypercholesterolaemia. Identifiers: MedGen C0020443, MeSH D006937, HP:0003124.

gnomAD v4.1: 3 of 1,613,876 alleles (0.00019%); highest among the groups gnomAD compares: Non-Finnish European, 0.00017%; no homozygotes.

Submission:

Amrita Institute of Medical Sciences and Research Centre, Amrita Vishwa Vidyapeetham
Classification: Uncertain significance for Hypercholesterolemia. Last evaluated: 2023-08-03. Review status: no assertion criteria provided. Collection method: clinical testing. Allele origin: germline. Affected: yes.
Comment: This is a novel mutation in exon 3 of PPP1R17

NM_006658.5(PPP1R17):c.169G>A (p.Glu57Lys)

Genes: PDE1C (phosphodiesterase 1C; minus strand), PPP1R17 (protein phosphatase 1 regulatory subunit 17; plus strand). Cytogenetic location: 7p14.3.
Variant type: single nucleotide variant.
Coding change: c.169G>A on transcript NM_006658.5 (MANE Select); coding-DNA position 169, G replaced by A.
Protein change: p.Glu57Lys; replaces glutamic acid 57 with lysine.
Molecular consequence: missense variant. On other transcripts: intron variant (1).
Genome position (GRCh38, 1-based): chr7:31,695,555, G>A. VCF-style: chr7-31695555-G-A. GRCh37 (hg19) VCF-style: chr7-31735169-G-A.
Other names: c.83-1410G>A (NM_001145123.3); short protein forms E57K.
Identifiers: ClinVar variation 3340086 (VCV003340086.1), dbSNP rs267601485.